The following is an entry in ClinVar:

ClinVar aggregate classification (germline): Benign/Likely benign. Review status: criteria provided, multiple submitters, no conflicts (2 of 4 stars). 3 submissions from 3 submitters: Benign (1); Likely benign (2). Last evaluated 2026-06-23.

Conditions:
ABCD3-related disorder. Also called: ABCD3-related condition.

gnomAD v4.1: 212 of 1,613,744 alleles (0.013%); highest among the groups gnomAD compares: Admixed American, 0.22%; 3 homozygotes.

Submissions (3):

PreventionGenetics, part of Exact Sciences
Classification: Likely benign for ABCD3-related condition. Last evaluated: 2026-06-23. Review status: criteria provided, single submitter. Criteria: ACMG Guidelines, 2015. Collection method: clinical testing. Allele origin: germline.
Comment: This variant is classified as likely benign based on ACMG/AMP sequence variant interpretation guidelines (Richards et al. 2015 PMID: 25741868, with internal and published modifications).

Labcorp Genetics (formerly Invitae), Labcorp
Classification: Benign. Last evaluated: 2025-04-30. Review status: criteria provided, single submitter. Criteria: Invitae Variant Classification Sherloc (09022015). Collection method: clinical testing. Allele origin: germline.

Blueprint Genetics
Classification: Likely benign. Last evaluated: 2024-11-25. Review status: criteria provided, single submitter. Criteria: ACMG Guidelines, 2015. Collection method: clinical testing. Allele origin: germline.

NM_002858.4(ABCD3):c.968-7G>A

Gene: ABCD3 (ATP binding cassette subfamily D member 3; plus strand). Cytogenetic location: 1p21.3.
Variant type: single nucleotide variant.
Coding change: c.968-7G>A on transcript NM_002858.4 (MANE Select); 7 bases into the intron before coding-DNA position 968, G replaced by A.
Molecular consequence: intron variant.
Genome position (GRCh38, 1-based): chr1:94,487,687, G>A. VCF-style: chr1-94487687-G-A. GRCh37 (hg19) VCF-style: chr1-94953243-G-A.
Other names: c.968-7G>A (NM_002858.3).
Identifiers: ClinVar variation 4803813 (VCV004803813.3).